The following is an entry in ClinVar:

NM_003036.4(SKI):c.240GCC[5] (p.Pro84dup)

Gene: SKI (SKI proto-oncogene; plus strand). Cytogenetic location: 1p36.33.
Variant type: Microsatellite.
Coding change: c.240GCC[5] on transcript NM_003036.4 (MANE Select); five copies in a row of the 3-base unit GCC starting at c.240; the reference has four copies in a row; one copy, 3 bases duplicated.
Protein change: p.Pro84dup; duplicates proline 84.
Molecular consequence: inframe insertion.
Genome position (GRCh38, 1-based): chr1:2,229,015-2,229,017, GCC duplicated; duplicating any 3 consecutive bases within chr1:2,229,006-2,229,017 gives the same sequence; the position shown is the placement nearest the transcript's 3' end. VCF-style (leftmost placement, unchanged base first): chr1-2229005-A-AGCC. GRCh37 (hg19) VCF-style: chr1-2160444-A-AGCC.
Identifiers: ClinVar variation 264471 (VCV000264471.8), dbSNP rs746731483, ClinGen allele CA536353.

ClinVar aggregate classification (germline): Uncertain significance. Review status: criteria provided, multiple submitters, no conflicts (2 of 4 stars). 2 submissions from 2 submitters: Uncertain significance (2). Last evaluated 2025-10-01.

Conditions:
Familial thoracic aortic aneurysm and aortic dissection (TAAD). Also called: Thoracic aortic aneurysms and dissections. Identifiers: Orphanet 91387, MedGen C4707243, MONDO:0019625.
Shprintzen-Goldberg syndrome (SGS). Also called: CRANIOSYNOSTOSIS WITH ARACHNODACTYLY AND ABDOMINAL HERNIAS; Marfanoid disorder with craniosynostosis type 1; Marfanoid craniosynostosis syndrome; Shprintzen-Goldberg marfanoid syndrome; SHPRINTZEN-GOLDBERG CRANIOSYNOSTOSIS SYNDROME. Identifiers: Orphanet 2462, MedGen C1321551, MONDO:0008426, OMIM 182212.

Submissions (2):

Labcorp Genetics (formerly Invitae), Labcorp
Classification: Uncertain significance for Shprintzen-Goldberg syndrome. Last evaluated: 2025-10-01. Review status: criteria provided, single submitter. Criteria: Invitae Variant Classification Sherloc (09022015). Collection method: clinical testing. Allele origin: germline.
Comment: This variant, c.249_251dup, results in the insertion of 1 amino acid(s) of the SKI protein (p.Pro84dup), but otherwise preserves the integrity of the reading frame. This variant is not present in population databases (gnomAD no frequency). This variant has not been reported in the literature in individuals affected with SKI-related conditions. In summary, the available evidence is currently insufficient to determine the role of this variant in disease. Therefore, it has been classified as a Variant of Uncertain Significance.

Ambry Genetics
Classification: Uncertain significance for Familial thoracic aortic aneurysm and aortic dissection. Last evaluated: 2015-11-10. Review status: criteria provided, single submitter. Criteria: Ambry Variant Classification Scheme 2023. Collection method: clinical testing. Allele origin: germline.
Comment: The c.249_251dupGCC variant (also known as p.P84dup), located in coding exon 1 of the SKI gene, results from an in-frame duplication of GCC between nucleotide positions 249 and 251. This results in the duplication of an extra proline residue between codons 84 and 85. This variant was not reported in population based cohorts in the following databases: Database of Single Nucleotide Polymorphisms (dbSNP), NHLBI Exome Sequencing Project (ESP), and 1000 Genomes Project. In the ESP, this variant was not observed in 6293 samples (12586 alleles) with coverage at this position. This amino acid position is well conserved in available vertebrate species. Since supporting evidence is limited at this time, the clinical significance of this variant remains unclear.